The following is an entry in ClinVar:

NM_018444.4(PDP1):c.1431C>T (p.Asn477=)

Gene: PDP1 (pyruvate dehydrogenase phosphatase catalytic subunit 1; plus strand). Cytogenetic location: 8q22.1.
Variant type: single nucleotide variant.
Coding change: c.1431C>T on transcript NM_018444.4 (MANE Select); coding-DNA position 1431, C replaced by T.
Protein change: p.Asn477=; no amino-acid change (asparagine 477 retained).
Molecular consequence: synonymous variant.
Genome position (GRCh38, 1-based): chr8:93,923,490, C>T. VCF-style: chr8-93923490-C-T. GRCh37 (hg19) VCF-style: chr8-94935718-C-T.
Other names: p.N536N:AAC>AAT; p.N477N:AAC>AAT; p.Asn477=; c.1506C>T, p.Asn502= (NM_001161779.2, NM_001161780.2); c.1431C>T, p.Asn477= (NM_001161781.2).
Identifiers: ClinVar variation 138680 (VCV000138680.10), dbSNP rs147477305, ClinGen allele CA292762.

ClinVar aggregate classification (germline): Benign/Likely benign. Review status: criteria provided, multiple submitters, no conflicts (2 of 4 stars). 3 submissions from 3 submitters: Benign (1); Likely benign (2). Last evaluated 2026-01-19.

Allele frequency attached by ClinVar (database versions not stated): gnomAD exomes 0.00009 and 0.00014; 1000 Genomes Project 30x 0.00016; ExAC 0.00019; 1000 Genomes Project 0.00020; TOPMed 0.00062; ESP Exome Variant Server 0.00069; gnomAD 0.00069 and 0.00076.

Submissions (3):

Labcorp Genetics (formerly Invitae), Labcorp
Classification: Likely benign. Last evaluated: 2026-01-19. Review status: criteria provided, single submitter. Criteria: Invitae Variant Classification Sherloc (09022015). Collection method: clinical testing. Allele origin: germline.

Mayo Clinic Laboratories, Mayo Clinic
Classification: Likely benign. Last evaluated: 2025-04-09. Review status: criteria provided, single submitter. Criteria: ACMG Guidelines, 2015. Collection method: clinical testing. Allele origin: germline. Observed: 2 variant alleles.

GeneDx
Classification: Benign. Last evaluated: 2012-11-28. Review status: criteria provided, single submitter. Criteria: GeneDx Variant Classification (06012015). Collection method: clinical testing. Allele origin: germline. Affected: yes.
Comment: This variant is considered likely benign or benign based on one or more of the following criteria: it is a conservative change, it occurs at a poorly conserved position in the protein, it is predicted to be benign by multiple in silico algorithms, and/or has population frequency not consistent with disease.